The following is an entry in ClinVar:

NM_020937.4(FANCM):c.3238C>T (p.Leu1080Phe)

Gene: FANCM (FA complementation group M; plus strand). Cytogenetic location: 14q21.2.
Variant type: single nucleotide variant.
Coding change: c.3238C>T on transcript NM_020937.4 (MANE Select); coding-DNA position 3238, C replaced by T.
Protein change: p.Leu1080Phe; replaces leucine 1080 with phenylalanine.
Molecular consequence: missense variant.
Genome position (GRCh38, 1-based): chr14:45,175,992, C>T. VCF-style: chr14-45175992-C-T. GRCh37 (hg19) VCF-style: chr14-45645195-C-T.
Other names: c.3160C>T, p.Leu1054Phe (NM_001308133.2); short protein forms L1080F, L1054F.
Identifiers: ClinVar variation 1996530 (VCV001996530.5), dbSNP rs1888662319, ClinGen allele CA389600513.

ClinVar aggregate classification (germline): Conflicting classifications of pathogenicity. Review status: criteria provided, conflicting classifications (1 of 4 stars). 2 submissions from 2 submitters: Uncertain significance (1); Likely benign (1). Last evaluated 2025-02-05.

Conditions:
Inborn genetic diseases. Identifiers: MedGen C0950123, MeSH D030342.
Fanconi anemia (FA). Also called: Fanconi's anemia. Identifiers: Orphanet 84, MedGen C0015625, MeSH D005199, MONDO:0019391.

Submissions (2):

Ambry Genetics
Classification: Likely benign for Inborn genetic diseases. Last evaluated: 2025-02-05. Review status: criteria provided, single submitter. Criteria: Ambry Variant Classification Scheme 2023. Collection method: clinical testing. Allele origin: germline.

Labcorp Genetics (formerly Invitae), Labcorp
Classification: Uncertain significance for Fanconi anemia. Last evaluated: 2023-06-27. Review status: criteria provided, single submitter. Criteria: Invitae Variant Classification Sherloc (09022015). Collection method: clinical testing. Allele origin: germline.
Comment: This sequence change replaces leucine, which is neutral and non-polar, with phenylalanine, which is neutral and non-polar, at codon 1080 of the FANCM protein (p.Leu1080Phe). This variant is not present in population databases (gnomAD no frequency). This variant has not been reported in the literature in individuals affected with FANCM-related conditions. ClinVar contains an entry for this variant (Variation ID: 1996530). Algorithms developed to predict the effect of missense changes on protein structure and function output the following: SIFT: "Not Available"; PolyPhen-2: "Benign"; Align-GVGD: "Not Available". The phenylalanine amino acid residue is found in multiple mammalian species, which suggests that this missense change does not adversely affect protein function. In summary, the available evidence is currently insufficient to determine the role of this variant in disease. Therefore, it has been classified as a Variant of Uncertain Significance.